The following is an entry in ClinVar:

NM_145054.5(CFAP52):c.1027G>A (p.Gly343Ser)

Gene: CFAP52 (cilia and flagella associated protein 52; plus strand). Cytogenetic location: 17p13.1.
Variant type: single nucleotide variant.
Coding change: c.1027G>A on transcript NM_145054.5 (MANE Select); coding-DNA position 1027, G replaced by A.
Protein change: p.Gly343Ser; replaces glycine 343 with serine.
Molecular consequence: missense variant.
Genome position (GRCh38, 1-based): chr17:9,628,673, G>A. VCF-style: chr17-9628673-G-A. GRCh37 (hg19) VCF-style: chr17-9531990-G-A.
Other names: c.823G>A, p.Gly275Ser (NM_001080556.2); c.1027G>A (NM_145054.4); short protein forms G275S, G343S.
Identifiers: ClinVar variation 1510687 (VCV001510687.7), dbSNP rs920396220, ClinGen allele CA287661085.

ClinVar aggregate classification (germline): Uncertain significance. Review status: criteria provided, multiple submitters, no conflicts (2 of 4 stars). 2 submissions from 2 submitters: Uncertain significance (2). Last evaluated 2025-08-20.

Conditions:
Situs inversus. Also called: Situs inversus totalis. Identifiers: Orphanet 101063, MedGen C4551493, MONDO:0010029, HP:0001696.

Allele frequency attached by ClinVar (database versions not stated): gnomAD exomes 0.00001 and 0.00002; TOPMed 0.00001.
gnomAD v4.1: 4 of 1,612,710 alleles (0.00025%); highest among the groups gnomAD compares: Admixed American, 0.0067%; no homozygotes.

Submissions (2):

Ambry Genetics
Classification: Uncertain significance. Last evaluated: 2025-08-20. Review status: criteria provided, single submitter. Criteria: Ambry Variant Classification Scheme 2023. Collection method: clinical testing. Allele origin: germline.

Labcorp Genetics (formerly Invitae), Labcorp
Classification: Uncertain significance for Situs inversus. Last evaluated: 2022-09-27. Review status: criteria provided, single submitter. Criteria: Invitae Variant Classification Sherloc (09022015). Collection method: clinical testing. Allele origin: germline.
Comment: This variant is present in population databases (no rsID available, gnomAD 0.01%). In summary, the available evidence is currently insufficient to determine the role of this variant in disease. Therefore, it has been classified as a Variant of Uncertain Significance. Algorithms developed to predict the effect of sequence changes on RNA splicing suggest that this variant may create or strengthen a splice site. Algorithms developed to predict the effect of missense changes on protein structure and function output the following: SIFT: "Deleterious"; PolyPhen-2: "Benign"; Align-GVGD: "Class C0". The serine amino acid residue is found in multiple mammalian species, which suggests that this missense change does not adversely affect protein function. ClinVar contains an entry for this variant (Variation ID: 1510687). This variant has not been reported in the literature in individuals affected with CFAP52-related conditions. This sequence change replaces glycine, which is neutral and non-polar, with serine, which is neutral and polar, at codon 343 of the CFAP52 protein (p.Gly343Ser).